The following is an entry in ClinVar:

ClinVar aggregate classification (germline): Conflicting classifications of pathogenicity. Review status: criteria provided, conflicting classifications (1 of 4 stars). 3 submissions from 3 submitters: Uncertain significance (2); Benign (1). Last evaluated 2025-10-11.

Conditions:
Adams-Oliver syndrome 5 (AOS5). Identifiers: Orphanet 974, MedGen C4014970, MONDO:0014459, OMIM 616028.
Familial thoracic aortic aneurysm and aortic dissection (TAAD). Also called: Thoracic aortic aneurysms and dissections. Identifiers: Orphanet 91387, MedGen C4707243, MONDO:0019625.

Allele frequency attached by ClinVar (database versions not stated): gnomAD 0.00001.
gnomAD v4.1: 15 of 1,561,134 alleles (0.00096%); highest among the groups gnomAD compares: South Asian, 0.014%; no homozygotes.

Submissions (3):

Ambry Genetics
Classification: Uncertain significance for Familial thoracic aortic aneurysm and aortic dissection. Last evaluated: 2025-10-11. Review status: criteria provided, single submitter. Criteria: Ambry Variant Classification Scheme 2023. Collection method: clinical testing. Allele origin: germline.
Comment: The p.I1631V variant (also known as c.4891A>G), located in coding exon 26 of the NOTCH1 gene, results from an A to G substitution at nucleotide position 4891. The isoleucine at codon 1631 is replaced by valine, an amino acid with highly similar properties. This amino acid position is conserved. In addition, this alteration is predicted to be tolerated by in silico analysis. Since supporting evidence is limited at this time, the clinical significance of this alteration remains unclear.

GeneDx
Classification: Uncertain significance. Last evaluated: 2024-09-23. Review status: criteria provided, single submitter. Criteria: GeneDx Variant Classification Process June 2021. Collection method: clinical testing. Allele origin: germline. Affected: yes.
Comment: Has not been previously published as pathogenic or benign to our knowledge; Not observed at significant frequency in large population cohorts (gnomAD); In silico analysis indicates that this missense variant does not alter protein structure/function

Labcorp Genetics (formerly Invitae), Labcorp
Classification: Benign for Adams-Oliver syndrome 5. Last evaluated: 2024-05-13. Review status: criteria provided, single submitter. Criteria: Invitae Variant Classification Sherloc (09022015). Collection method: clinical testing. Allele origin: germline.

NM_017617.5(NOTCH1):c.4891A>G (p.Ile1631Val)

Gene: NOTCH1 (notch receptor 1; minus strand). Cytogenetic location: 9q34.3.
Variant type: single nucleotide variant.
Coding change: c.4891A>G on transcript NM_017617.5 (MANE Select); coding-DNA position 4891, A replaced by G.
Protein change: p.Ile1631Val; replaces isoleucine 1631 with valine.
Molecular consequence: missense variant.
Genome position (GRCh38, 1-based): chr9:136,504,800, T>C on the plus strand (A>G on the coding strand, the complement: NOTCH1 is on the minus strand). VCF-style: chr9-136504800-T-C. GRCh37 (hg19) VCF-style: chr9-139399252-T-C.
Other names: c.4891A>G (NM_017617.3); short protein forms I1631V.
Identifiers: ClinVar variation 2064195 (VCV002064195.8), dbSNP rs990403823, ClinGen allele CA201643893.